The following is an entry in ClinVar:

ClinVar aggregate classification (germline): Uncertain significance. Review status: criteria provided, multiple submitters, no conflicts (2 of 4 stars). 2 submissions from 2 submitters: Uncertain significance (2). Last evaluated 2024-11-23.

Conditions:
Inborn genetic diseases. Identifiers: MedGen C0950123, MeSH D030342.

Allele frequency attached by ClinVar (database versions not stated): gnomAD exomes 0.00002; ExAC 0.00003; 1000 Genomes Project 0.00020; TOPMed 0.00026; 1000 Genomes Project 30x 0.00016; gnomAD 0.00017.
gnomAD v4.1: 39 of 1,606,376 alleles (0.0024%); highest among the groups gnomAD compares: Admixed American, 0.056%; no homozygotes.

Submissions (2):

Ambry Genetics
Classification: Uncertain significance for Inborn genetic diseases. Last evaluated: 2024-11-23. Review status: criteria provided, single submitter. Criteria: Ambry Variant Classification Scheme 2023. Collection method: clinical testing. Allele origin: germline.
Comment: The p.G8D variant (also known as c.23G>A), located in coding exon 1 of the USB1 gene, results from a G to A substitution at nucleotide position 23. The glycine at codon 8 is replaced by aspartic acid, an amino acid with similar properties. This amino acid position is conserved. In addition, the in silico prediction for this alteration is inconclusive. Based on the available evidence, the clinical significance of this variant remains unclear.

Labcorp Genetics (formerly Invitae), Labcorp
Classification: Uncertain significance. Last evaluated: 2022-07-19. Review status: criteria provided, single submitter. Criteria: Invitae Variant Classification Sherloc (09022015). Collection method: clinical testing. Allele origin: germline.
Comment: This sequence change replaces glycine, which is neutral and non-polar, with aspartic acid, which is acidic and polar, at codon 8 of the USB1 protein (p.Gly8Asp). The frequency data for this variant in the population databases is considered unreliable, as metrics indicate poor data quality at this position in the gnomAD database. This variant has not been reported in the literature in individuals affected with USB1-related conditions. ClinVar contains an entry for this variant (Variation ID: 1368951). Algorithms developed to predict the effect of missense changes on protein structure and function are either unavailable or do not agree on the potential impact of this missense change (SIFT: "Not Available"; PolyPhen-2: "Probably Damaging"; Align-GVGD: "Not Available"). In summary, the available evidence is currently insufficient to determine the role of this variant in disease. Therefore, it has been classified as a Variant of Uncertain Significance.

NM_024598.4(USB1):c.23G>A (p.Gly8Asp)

Genes: USB1 (U6 snRNA biogenesis phosphodiesterase 1; plus strand), LOC112469011 (Sharpr-MPRA regulatory region 3942; plus strand). Cytogenetic location: 16q21.
Variant type: single nucleotide variant.
Coding change: c.23G>A on transcript NM_024598.4 (MANE Select); coding-DNA position 23, G replaced by A.
Protein change: p.Gly8Asp; replaces glycine 8 with aspartic acid.
Molecular consequence: missense variant. On other transcripts: intron variant (1).
Genome position (GRCh38, 1-based): chr16:58,001,506, G>A. VCF-style: chr16-58001506-G-A. GRCh37 (hg19) VCF-style: chr16-58035410-G-A.
Other names: c.23G>A, p.Gly8Asp (NM_001195302.2, NM_001204911.2, NM_001330569.2); c.-55-973G>A (NM_001330568.2); c.23G>A (NM_024598.3); short protein forms G8D.
Identifiers: ClinVar variation 1368951 (VCV001368951.7), dbSNP rs564572047, ClinGen allele CA8084770.